The following is an entry in ClinVar:

NM_015267.4(CUX2):c.921C>G (p.Asp307Glu)

Gene: CUX2 (cut like homeobox 2; plus strand). Cytogenetic location: 12q24.12.
Variant type: single nucleotide variant.
Coding change: c.921C>G on transcript NM_015267.4 (MANE Select); coding-DNA position 921, C replaced by G.
Protein change: p.Asp307Glu; replaces aspartic acid 307 with glutamic acid.
Molecular consequence: missense variant.
Genome position (GRCh38, 1-based): chr12:111,306,983, C>G. VCF-style: chr12-111306983-C-G. GRCh37 (hg19) VCF-style: chr12-111744787-C-G.
Other names: c.735C>G, p.Asp245Glu (NM_001370598.1); short protein forms D245E, D307E.
Identifiers: ClinVar variation 4687531 (VCV004687531.1).

ClinVar aggregate classification (germline): Uncertain significance (1 of 4 stars; one submission).

Submission:

Women's Health and Genetics/Laboratory Corporation of America, LabCorp
Classification: Uncertain significance. Last evaluated: 2025-10-06. Review status: criteria provided, single submitter. Criteria: LabCorp Variant Classification Summary - May 2015. Collection method: clinical testing. Allele origin: germline.
Comment: Variant summary: CUX2 c.921C>G (p.Asp307Glu) results in a conservative amino acid change in the encoded protein sequence. Algorithms developed to predict the effect of missense changes on protein structure and function are either unavailable or do not agree on the potential impact of this missense change. The variant was absent in 248742 control chromosomes. The available data on variant occurrences in the general population are insufficient to allow any conclusion about variant significance. To our knowledge, no occurrence of c.921C>G in individuals affected with CUX2-related conditions and no experimental evidence demonstrating its impact on protein function have been reported. No submitters have cited clinical-significance assessments for this variant to ClinVar. Based on the evidence outlined above, the variant was classified as uncertain significance.